The following is an entry in ClinVar:

NM_001035.3(RYR2):c.7377G>C (p.Gly2459=)

Gene: RYR2 (ryanodine receptor 2; plus strand). Cytogenetic location: 1q43.
Variant type: single nucleotide variant.
Coding change: c.7377G>C on transcript NM_001035.3 (MANE Select); coding-DNA position 7377, G replaced by C.
Protein change: p.Gly2459=; no amino-acid change (glycine 2459 retained).
Molecular consequence: synonymous variant.
Genome position (GRCh38, 1-based): chr1:237,648,478, G>C. VCF-style: chr1-237648478-G-C. GRCh37 (hg19) VCF-style: chr1-237811778-G-C.
Identifiers: ClinVar variation 3073647 (VCV003073647.3), dbSNP rs747614796, ClinGen allele CA087382.
Genomic context (GRCh38, chr1:237,648,478, plus strand): 5'-CACCAAAATTCACTTCTCTCTTTTAGATGGGAATGTGGTGGAACCTGACATGTCTGCGGG[G>C]TTTTGCCCAGATCACAAGGCAGCCATGGTTTTATTCCTTGACAGGGTCTATGGGATTGAG-3'
Protein context (NP_001026.2, residues 2449-2469): GNVVEPDMSA[Gly2459=]FCPDHKAAMV

ClinVar aggregate classification (germline): Likely benign. Review status: criteria provided, multiple submitters, no conflicts (2 of 4 stars). 2 submissions from 2 submitters: Likely benign (2). Last evaluated 2025-11-18.

Conditions:
Catecholaminergic polymorphic ventricular tachycardia (CVPT). Also called: Catecholamine-induced polymorphic ventricular tachycardia. Identifiers: Orphanet 3286, MedGen C5574922, MONDO:0017990.
Catecholaminergic polymorphic ventricular tachycardia 1. Also called: VENTRICULAR TACHYCARDIA, CATECHOLAMINERGIC POLYMORPHIC, 1, WITH OR WITHOUT ATRIAL DYSFUNCTION AND/OR DILATED CARDIOMYOPATHY; RYR2-Related Catecholaminergic Polymorphic Ventricular Tachycardia; VENTRICULAR TACHYCARDIA, STRESS-INDUCED POLYMORPHIC 1. Identifiers: Orphanet 3286, MedGen C1631597, MONDO:0011484, OMIM 604772.

Allele frequency attached by ClinVar (database versions not stated): ExAC 0.00001.
gnomAD v4.1: 3 of 1,610,764 alleles (0.00019%); highest among the groups gnomAD compares: South Asian, 0.0011%; no homozygotes.

Submissions (2):

Labcorp Genetics (formerly Invitae), Labcorp
Classification: Likely benign for Catecholaminergic polymorphic ventricular tachycardia 1. Last evaluated: 2025-11-18. Review status: criteria provided, single submitter. Criteria: Invitae Variant Classification Sherloc (09022015). Collection method: clinical testing. Allele origin: germline.

All of Us Research Program, National Institutes of Health
Classification: Likely benign for Catecholaminergic polymorphic ventricular tachycardia. Last evaluated: 2023-10-02. Review status: criteria provided, single submitter. Criteria: ACMG Guidelines, 2015. Collection method: clinical testing. Allele origin: germline. Inheritance: Autosomal dominant inheritance. Observed: 1 variant allele, 1 heterozygote.
Comment: This study involves interpretation of variants in research participants for the purpose of population health screening. Participant phenotype was not available at the time of variant classification. Additional details can be found in publication PMID: 35346344, PMCID: PMC8962531